The following is an entry in ClinVar:

ClinVar aggregate classification (germline): Conflicting classifications of pathogenicity. Review status: criteria provided, conflicting classifications (1 of 4 stars). 2 submissions from 2 submitters: Uncertain significance (1); Benign (1). Last evaluated 2025-07-07.

Conditions:
Gastrointestinal stromal tumor. Also called: Gastrointestinal stromal tumor, somatic; Gastrointestinal stroma tumor. Identifiers: Orphanet 44890, MedGen C0238198, MeSH D046152, MONDO:0011719, OMIM 606764, HP:0100723.
Hereditary cancer-predisposing syndrome. Also called: Hereditary neoplastic syndrome; Neoplastic Syndromes, Hereditary; Hereditary Cancer Syndrome; Tumor predisposition. Identifiers: Orphanet 140162, MedGen C0027672, MeSH D009386, MONDO:0015356.

Allele frequency attached by ClinVar (database versions not stated): TOPMed 0.00002.
gnomAD v4.1: 8 of 1,613,816 alleles (0.0005%); highest among the groups gnomAD compares: East Asian, 0.0067%; no homozygotes.

Submissions (2):

Labcorp Genetics (formerly Invitae), Labcorp
Classification: Uncertain significance for Gastrointestinal stromal tumor. Last evaluated: 2025-07-07. Review status: criteria provided, single submitter. Criteria: Invitae Variant Classification Sherloc (09022015). Collection method: clinical testing. Allele origin: germline.
Comment: This sequence change replaces asparagine, which is neutral and polar, with serine, which is neutral and polar, at codon 240 of the PDGFRA protein (p.Asn240Ser). This variant is present in population databases (no rsID available, gnomAD 0.01%). This variant has not been reported in the literature in individuals affected with PDGFRA-related conditions. ClinVar contains an entry for this variant (Variation ID: 951044). Invitae Evidence Modeling of protein sequence and biophysical properties (such as structural, functional, and spatial information, amino acid conservation, physicochemical variation, residue mobility, and thermodynamic stability) indicates that this missense variant is not expected to disrupt PDGFRA protein function with a negative predictive value of 80%. In summary, the available evidence is currently insufficient to determine the role of this variant in disease. Therefore, it has been classified as a Variant of Uncertain Significance.

Ambry Genetics
Classification: Benign for Hereditary cancer-predisposing syndrome. Last evaluated: 2024-10-28. Review status: criteria provided, single submitter. Criteria: Ambry Variant Classification Scheme 2023. Collection method: clinical testing. Allele origin: germline.

NM_006206.6(PDGFRA):c.719A>G (p.Asn240Ser)

Gene: PDGFRA (platelet derived growth factor receptor alpha; plus strand). Cytogenetic location: 4q12.
Variant type: single nucleotide variant.
Coding change: c.719A>G on transcript NM_006206.6 (MANE Select); coding-DNA position 719, A replaced by G.
Protein change: p.Asn240Ser; replaces asparagine 240 with serine.
Molecular consequence: missense variant.
Genome position (GRCh38, 1-based): chr4:54,265,009, A>G. VCF-style: chr4-54265009-A-G. GRCh37 (hg19) VCF-style: chr4-55131176-A-G.
Other names: c.719A>G, p.Asn240Ser (NM_001347827.2, NM_001347829.2); c.794A>G, p.Asn265Ser (NM_001347828.2); c.758A>G, p.Asn253Ser (NM_001347830.2); short protein forms N240S, N265S, N253S.
Identifiers: ClinVar variation 951044 (VCV000951044.11), dbSNP rs749141162, ClinGen allele CA356890945.
Genomic context (GRCh38, chr4:54,265,009, plus strand): 5'-CTCTTAAAACCGTGTATAAGTCAGGGGAAACGATTGTGGTCACCTGTGCTGTTTTTAACA[A>G]TGAGGTGGTTGACCTTCAATGGACTTACCCTGGAGAAGTGGTAGGTACCCTCAAAACGTG-3'
Protein context (NP_006197.1, residues 230-250): TIVVTCAVFN[Asn240Ser]EVVDLQWTYP